The following is an entry in ClinVar:

ClinVar aggregate classification (germline): Likely benign (1 of 4 stars; one submission).

Allele frequency attached by ClinVar (database versions not stated): gnomAD 0.00001; gnomAD exomes 0.00001; TOPMed 0.00001.

Submission:

GeneDx
Classification: Likely benign. Last evaluated: 2017-07-03. Review status: criteria provided, single submitter. Criteria: GeneDx Variant Classification (06012015). Collection method: clinical testing. Allele origin: germline. Affected: yes.
Comment: This variant is considered likely benign or benign based on one or more of the following criteria: it is a conservative change, it occurs at a poorly conserved position in the protein, it is predicted to be benign by multiple in silico algorithms, and/or has population frequency not consistent with disease.

NM_004522.3(KIF5C):c.445+12C>T

Gene: KIF5C (kinesin family member 5C; plus strand). Cytogenetic location: 2q23.1.
Variant type: single nucleotide variant.
Coding change: c.445+12C>T on transcript NM_004522.3 (MANE Select); 12 bases into the intron after coding-DNA position 445, C replaced by T.
Molecular consequence: intron variant.
Genome position (GRCh38, 1-based): chr2:148,941,670, C>T. VCF-style: chr2-148941670-C-T. GRCh37 (hg19) VCF-style: chr2-149798184-C-T.
Identifiers: ClinVar variation 510603 (VCV000510603.1), dbSNP rs1459182095, ClinGen allele CA658795861.